The following is an entry in ClinVar:

NM_001370259.2(MEN1):c.15C>T (p.Ala5=)

Gene: MEN1 (menin 1; minus strand). Cytogenetic location: 11q13.1.
Variant type: single nucleotide variant.
Coding change: c.15C>T on transcript NM_001370259.2 (MANE Select); coding-DNA position 15, C replaced by T.
Protein change: p.Ala5=; no amino-acid change (alanine 5 retained).
Molecular consequence: synonymous variant. On other transcripts: non-coding transcript variant (4).
Genome position (GRCh38, 1-based): chr11:64,810,095, G>A on the plus strand (C>T on the coding strand, the complement: MEN1 is on the minus strand). VCF-style: chr11-64810095-G-A. GRCh37 (hg19) VCF-style: chr11-64577567-G-A.
Other names: c.15C>T, p.Ala5= (NM_000244.4, NM_001370251.2, NM_001370260.2 and 20 more transcripts).
Identifiers: ClinVar variation 2904554 (VCV002904554.6), dbSNP rs757821521, ClinGen allele CA060818.

ClinVar aggregate classification (germline): Benign/Likely benign. Review status: criteria provided, multiple submitters, no conflicts (2 of 4 stars). 4 submissions from 4 submitters: Benign (1); Likely benign (3). Last evaluated 2025-05-25.

Conditions:
Hereditary cancer-predisposing syndrome. Also called: Hereditary Cancer Syndrome; Tumor predisposition; Neoplastic Syndromes, Hereditary; Hereditary neoplastic syndrome. Identifiers: Orphanet 140162, MedGen C0027672, MeSH D009386, MONDO:0015356.
Multiple endocrine neoplasia, type 1 (MEN1). Also called: MEA I; MEN I; WERMER SYNDROME; Endocrine adenomatosis multiple; MEN 1. Identifiers: Orphanet 652, MedGen C0025267, MeSH D018761, MONDO:0007540, OMIM 131100.

Allele frequency attached by ClinVar (database versions not stated): ExAC 0.00002.
gnomAD v4.1: 3 of 1,595,886 alleles (0.00019%); highest among the groups gnomAD compares: South Asian, 0.0011%; no homozygotes.

Submissions (4):

Labcorp Genetics (formerly Invitae), Labcorp
Classification: Likely benign for Multiple endocrine neoplasia, type 1. Last evaluated: 2025-05-25. Review status: criteria provided, single submitter. Criteria: Invitae Variant Classification Sherloc (09022015). Collection method: clinical testing. Allele origin: germline.

Ambry Genetics
Classification: Likely benign for Hereditary cancer-predisposing syndrome. Last evaluated: 2024-12-23. Review status: criteria provided, single submitter. Criteria: Ambry Variant Classification Scheme 2023. Collection method: clinical testing. Allele origin: germline.

Myriad Genetics, Inc.
Classification: Benign for Multiple endocrine neoplasia, type 1. Last evaluated: 2024-10-31. Review status: criteria provided, single submitter. Criteria: Myriad Autosomal Dominant, Autosomal Recessive and X-Linked Classification Criteria (2023). Collection method: clinical testing. Allele origin: unknown.
Comment: This variant is considered benign. This variant is a silent/synonymous amino acid change and it is not expected to impact splicing.

All of Us Research Program, National Institutes of Health
Classification: Likely benign for Multiple endocrine neoplasia, type 1. Last evaluated: 2023-02-24. Review status: criteria provided, single submitter. Criteria: ACMG Guidelines, 2015. Collection method: clinical testing. Allele origin: germline. Inheritance: Autosomal dominant inheritance. Observed: 1 variant allele, 1 heterozygote.
Comment: This study involves interpretation of variants in research participants for the purpose of population health screening. Participant phenotype was not available at the time of variant classification. Additional details can be found in publication PMID: 35346344, PMCID: PMC8962531